The following is an entry in ClinVar:

NM_003001.5(SDHC):c.500C>T (p.Ala167Val)

Gene: SDHC (succinate dehydrogenase complex subunit C; plus strand). Cytogenetic location: 1q23.3.
Variant type: single nucleotide variant.
Coding change: c.500C>T on transcript NM_003001.5 (MANE Select); coding-DNA position 500, C replaced by T.
Protein change: p.Ala167Val; replaces alanine 167 with valine.
Molecular consequence: missense variant. On other transcripts: synonymous variant (3), non-coding transcript variant (1).
Genome position (GRCh38, 1-based): chr1:161,362,423, C>T. VCF-style: chr1-161362423-C-T. GRCh37 (hg19) VCF-style: chr1-161332213-C-T.
Other names: c.336C>T, p.Gly112= (NM_001035511.3); c.398C>T, p.Ala133Val (NM_001035512.3); c.341C>T, p.Ala114Val (NM_001035513.3); c.234C>T, p.Gly78= (NM_001278172.3); c.620C>T, p.Ala207Val (NM_001407115.1); c.443C>T, p.Ala148Val (NM_001407116.1); c.437C>T, p.Ala146Val (NM_001407117.1); c.392C>T, p.Ala131Val (NM_001407118.1); and 2 more; short protein forms A146V, A207V, A131V, A133V, A167V, A130V, A148V, A114V.
Identifiers: ClinVar variation 2936185 (VCV002936185.5), dbSNP rs1672554823, ClinGen allele CA343457984.

ClinVar aggregate classification (germline): Uncertain significance. Review status: criteria provided, multiple submitters, no conflicts (2 of 4 stars). 3 submissions from 3 submitters: Uncertain significance (3). Last evaluated 2024-03-20.

Conditions:
Gastrointestinal stromal tumor. Also called: Gastrointestinal stromal tumor, somatic; Gastrointestinal stroma tumor. Identifiers: Orphanet 44890, MedGen C0238198, MeSH D046152, MONDO:0011719, OMIM 606764, HP:0100723.
Pheochromocytoma/paraganglioma syndrome 3. Also called: GLOMUS TUMORS, FAMILIAL, 3; Paragangliomas 3; SDHC-Related Hereditary Paraganglioma-Pheochromocytoma Syndrome (Paragangliomas 3); SDHC-Related Hereditary Paraganglioma-Pheochromocytoma Syndrome. Identifiers: Orphanet 29072, MedGen C1854336, MONDO:0011544, OMIM 605373.
Hereditary cancer-predisposing syndrome. Also called: Neoplastic Syndromes, Hereditary; Hereditary neoplastic syndrome; Tumor predisposition; Hereditary Cancer Syndrome. Identifiers: Orphanet 140162, MedGen C0027672, MeSH D009386, MONDO:0015356.

Submissions (3):

Ambry Genetics
Classification: Uncertain significance for Hereditary cancer-predisposing syndrome. Last evaluated: 2024-03-20. Review status: criteria provided, single submitter. Criteria: Ambry Variant Classification Scheme 2023. Collection method: clinical testing. Allele origin: germline.
Comment: The p.A167V variant (also known as c.500C>T), located in coding exon 6 of the SDHC gene, results from a C to T substitution at nucleotide position 500. The alanine at codon 167 is replaced by valine, an amino acid with similar properties. This amino acid position is conserved. In addition, this alteration is predicted to be deleterious by in silico analysis. Based on the available evidence, the clinical significance of this alteration remains unclear.

Baylor Genetics
Classification: Uncertain significance for Gastrointestinal stromal tumor. Last evaluated: 2023-11-09. Review status: criteria provided, single submitter. Criteria: ACMG Guidelines, 2015. Collection method: clinical testing. Allele origin: unknown.

Labcorp Genetics (formerly Invitae), Labcorp
Classification: Uncertain significance for Pheochromocytoma/paraganglioma syndrome 3; Gastrointestinal stromal tumor. Last evaluated: 2023-11-06. Review status: criteria provided, single submitter. Criteria: Invitae Variant Classification Sherloc (09022015). Collection method: clinical testing. Allele origin: germline.
Comment: This sequence change replaces alanine, which is neutral and non-polar, with valine, which is neutral and non-polar, at codon 167 of the SDHC protein (p.Ala167Val). This variant is not present in population databases (gnomAD no frequency). This variant has not been reported in the literature in individuals affected with SDHC-related conditions. An algorithm developed to predict the effect of missense changes on protein structure and function (PolyPhen-2) suggests that this variant is likely to be disruptive. In summary, the available evidence is currently insufficient to determine the role of this variant in disease. Therefore, it has been classified as a Variant of Uncertain Significance.